The following is an entry in ClinVar:

NM_182914.3(SYNE2):c.13828del (p.Leu4610fs)

Gene: SYNE2 (spectrin repeat containing nuclear envelope protein 2; plus strand). Cytogenetic location: 14q23.2.
Variant type: Deletion.
Coding change: c.13828del on transcript NM_182914.3 (MANE Select); coding-DNA position 13828, one base deleted (C; older notation c.13828delC).
Protein change: p.Leu4610fs; shifts the reading frame from leucine 4610.
Molecular consequence: frameshift variant.
Genome position (GRCh38, 1-based): chr14:64,126,718, C deleted; the last of 2 consecutive C bases (chr14:64,126,717-64,126,718); deleting either gives the same sequence. VCF-style (leftmost placement, unchanged base first): chr14-64126716-AC-A. GRCh37 (hg19) VCF-style: chr14-64593434-AC-A.
Other names: c.13828del, p.Leu4610fs (NM_015180.6); short protein forms L4610fs.
Identifiers: ClinVar variation 3673287 (VCV003673287.2).

ClinVar aggregate classification (germline): Uncertain significance (1 of 4 stars; one submission).

Conditions:
Emery-Dreifuss muscular dystrophy 5, autosomal dominant (EDMD5). Also called: EMERY-DREIFUSS MUSCULAR DYSTROPHY 5. Identifiers: Orphanet 261, MedGen C2751805, MONDO:0013072, OMIM 612999.

Submission:

Labcorp Genetics (formerly Invitae), Labcorp
Classification: Uncertain significance for Emery-Dreifuss muscular dystrophy 5, autosomal dominant. Last evaluated: 2024-06-26. Review status: criteria provided, single submitter. Criteria: Invitae Variant Classification Sherloc (09022015). Collection method: clinical testing. Allele origin: germline.
Comment: This sequence change creates a premature translational stop signal (p.Leu4610Phefs*19) in the SYNE2 gene. It is expected to result in an absent or disrupted protein product. However, the current clinical and genetic evidence is not sufficient to establish whether loss-of-function variants in SYNE2 cause disease. This variant is not present in population databases (gnomAD no frequency). This variant has not been reported in the literature in individuals affected with SYNE2-related conditions. In summary, the available evidence is currently insufficient to determine the role of this variant in disease. Therefore, it has been classified as a Variant of Uncertain Significance.